The following is an entry in ClinVar:

NM_001358530.2(MOCS1):c.151C>T (p.Arg51Trp)

Gene: MOCS1 (molybdenum cofactor synthesis 1; minus strand). Cytogenetic location: 6p21.2.
Variant type: single nucleotide variant.
Coding change: c.151C>T on transcript NM_001358530.2 (MANE Select); coding-DNA position 151, C replaced by T.
Protein change: p.Arg51Trp; replaces arginine 51 with tryptophan.
Molecular consequence: missense variant. On other transcripts: 5 prime UTR variant (1), intron variant (2).
Genome position (GRCh38, 1-based): chr6:39,927,428, G>A on the plus strand (C>T on the coding strand, the complement: MOCS1 is on the minus strand). VCF-style: chr6-39927428-G-A. GRCh37 (hg19) VCF-style: chr6-39895167-G-A.
Other names: c.151C>T, p.Arg51Trp (NM_001075098.4, NM_001358529.2, NM_005943.6); c.-111C>T (NM_001358534.2); c.-11-1583C>T (NM_001358531.2, NM_001358533.2); short protein forms R51W.
Identifiers: ClinVar variation 2190524 (VCV002190524.1), dbSNP rs571898718, ClinGen allele CA3796428.

ClinVar aggregate classification (germline): Uncertain significance (1 of 4 stars; one submission).

Conditions:
Sulfite oxidase deficiency due to molybdenum cofactor deficiency type A. Also called: Molybdenum cofactor deficiency, complementation group A; Molybdenum Cofactor Deficiency A. Identifiers: Orphanet 308386, Orphanet 833, MedGen C1854988, MONDO:0009643, OMIM 252150.

Allele frequency attached by ClinVar (database versions not stated): gnomAD exomes 0.00003; gnomAD 0.00005; ExAC 0.00006; TOPMed 0.00006; 1000 Genomes Project 0.00020; 1000 Genomes Project 30x 0.00031.
gnomAD v4.1: 56 of 1,611,950 alleles (0.0035%); highest among the groups gnomAD compares: Admixed American, 0.0067%; no homozygotes.

Submission:

Labcorp Genetics (formerly Invitae), Labcorp
Classification: Uncertain significance for Sulfite oxidase deficiency due to molybdenum cofactor deficiency type A. Last evaluated: 2022-01-20. Review status: criteria provided, single submitter. Criteria: Invitae Variant Classification Sherloc (09022015). Collection method: clinical testing. Allele origin: germline.
Comment: This sequence change replaces arginine, which is basic and polar, with tryptophan, which is neutral and slightly polar, at codon 51 of the MOCS1 protein (p.Arg51Trp). This variant is present in population databases (rs571898718, gnomAD 0.1%). This variant has not been reported in the literature in individuals affected with MOCS1-related conditions. Algorithms developed to predict the effect of missense changes on protein structure and function are either unavailable or do not agree on the potential impact of this missense change (SIFT: "Not Available"; PolyPhen-2: "Possibly Damaging"; Align-GVGD: "Not Available"). In summary, the available evidence is currently insufficient to determine the role of this variant in disease. Therefore, it has been classified as a Variant of Uncertain Significance.